The following is an entry in ClinVar:

NM_145059.3(FCSK):c.556C>T (p.His186Tyr)

Gene: FCSK (fucose kinase; plus strand). Cytogenetic location: 16q22.1.
Variant type: single nucleotide variant.
Coding change: c.556C>T on transcript NM_145059.3 (MANE Select); coding-DNA position 556, C replaced by T.
Protein change: p.His186Tyr; replaces histidine 186 with tyrosine.
Molecular consequence: missense variant.
Genome position (GRCh38, 1-based): chr16:70,467,445, C>T. VCF-style: chr16-70467445-C-T. GRCh37 (hg19) VCF-style: chr16-70501348-C-T.
Other names: short protein forms H186Y.
Identifiers: ClinVar variation 4749571 (VCV004749571.1).

ClinVar aggregate classification (germline): Uncertain significance (1 of 4 stars; one submission).

gnomAD v4.1: 58 of 1,608,090 alleles (0.0036%); highest among the groups gnomAD compares: South Asian, 0.058%; no homozygotes.

Submission:

Labcorp Genetics (formerly Invitae), Labcorp
Classification: Uncertain significance. Last evaluated: 2025-08-03. Review status: criteria provided, single submitter. Criteria: Invitae Variant Classification Sherloc (09022015). Collection method: clinical testing. Allele origin: germline.
Comment: This sequence change replaces histidine, which is basic and polar, with tyrosine, which is neutral and polar, at codon 186 of the FUK protein (p.His186Tyr). This variant is present in population databases (rs532510018, gnomAD 0.07%), and has an allele count higher than expected for a pathogenic variant. This variant has not been reported in the literature in individuals affected with FUK-related conditions. An algorithm developed to predict the effect of missense changes on protein structure and function (PolyPhen-2) suggests that this variant is likely to be disruptive. In summary, the available evidence is currently insufficient to determine the role of this variant in disease. Therefore, it has been classified as a Variant of Uncertain Significance.